The following is an entry in ClinVar:

NM_001242908.2(RSPO1):c.391G>A (p.Glu131Lys)

Gene: RSPO1 (R-spondin 1; minus strand). Cytogenetic location: 1p34.3.
Variant type: single nucleotide variant.
Coding change: c.391G>A on transcript NM_001242908.2 (MANE Select); coding-DNA position 391, G replaced by A.
Protein change: p.Glu131Lys; replaces glutamic acid 131 with lysine.
Molecular consequence: missense variant.
Genome position (GRCh38, 1-based): chr1:37,614,229, C>T on the plus strand (G>A on the coding strand, the complement: RSPO1 is on the minus strand). VCF-style: chr1-37614229-C-T. GRCh37 (hg19) VCF-style: chr1-38079901-C-T.
Other names: c.391G>A (NM_001038633.3); c.391G>A, p.Glu131Lys (NM_001038633.4, NM_001242910.2); c.310G>A, p.Glu104Lys (NM_001242909.2); short protein forms E104K, E131K.
Identifiers: ClinVar variation 2862712 (VCV002862712.4), dbSNP rs201520180, ClinGen allele CA772647.

ClinVar aggregate classification (germline): Uncertain significance. Review status: criteria provided, multiple submitters, no conflicts (2 of 4 stars). 2 submissions from 2 submitters: Uncertain significance (2). Last evaluated 2025-04-10.

Conditions:
Inborn genetic diseases. Identifiers: MedGen C0950123, MeSH D030342.

Allele frequency attached by ClinVar (database versions not stated): ExAC 0.00004; TOPMed 0.00007; 1000 Genomes Project 30x 0.00031; 1000 Genomes Project 0.00040; gnomAD exomes 0.00002; gnomAD 0.00007.
gnomAD v4.1: 44 of 1,613,492 alleles (0.0027%); highest among the groups gnomAD compares: African/African-American, 0.015%; no homozygotes.

Submissions (2):

Ambry Genetics
Classification: Uncertain significance for Inborn genetic diseases. Last evaluated: 2025-04-10. Review status: criteria provided, single submitter. Criteria: Ambry Variant Classification Scheme 2023. Collection method: clinical testing. Allele origin: germline.

Labcorp Genetics (formerly Invitae), Labcorp
Classification: Uncertain significance. Last evaluated: 2025-02-24. Review status: criteria provided, single submitter. Criteria: Invitae Variant Classification Sherloc (09022015). Collection method: clinical testing. Allele origin: germline.
Comment: This sequence change replaces glutamic acid, which is acidic and polar, with lysine, which is basic and polar, at codon 131 of the RSPO1 protein (p.Glu131Lys). This variant is present in population databases (rs201520180, gnomAD 0.03%). This variant has not been reported in the literature in individuals affected with RSPO1-related conditions. ClinVar contains an entry for this variant (Variation ID: 2862712). An algorithm developed to predict the effect of missense changes on protein structure and function outputs the following: PolyPhen-2: "Benign". The lysine amino acid residue is found in multiple mammalian species, which suggests that this missense change does not adversely affect protein function. In summary, the available evidence is currently insufficient to determine the role of this variant in disease. Therefore, it has been classified as a Variant of Uncertain Significance.